The following is an entry in ClinVar:

NM_000059.4(BRCA2):c.8953+5G>C

Gene: BRCA2 (BRCA2 DNA repair associated; plus strand). Cytogenetic location: 13q13.1.
Variant type: single nucleotide variant.
Coding change: c.8953+5G>C on transcript NM_000059.4 (MANE Select); 5 bases into the intron after coding-DNA position 8953, G replaced by C.
Molecular consequence: intron variant.
Genome position (GRCh38, 1-based): chr13:32,379,520, G>C. VCF-style: chr13-32379520-G-C. GRCh37 (hg19) VCF-style: chr13-32953657-G-C.
Identifiers: ClinVar variation 1217248 (VCV001217248.5), dbSNP rs397508023, ClinGen allele CA2499222354.

ClinVar aggregate classification (germline): Uncertain significance. Review status: criteria provided, multiple submitters, no conflicts (2 of 4 stars). 3 submissions from 3 submitters: Uncertain significance (3). Last evaluated 2025-03-10.

Conditions:
Hereditary cancer-predisposing syndrome. Also called: Neoplastic Syndromes, Hereditary; Tumor predisposition; Hereditary neoplastic syndrome; Hereditary Cancer Syndrome. Identifiers: Orphanet 140162, MedGen C0027672, MeSH D009386, MONDO:0015356.
Hereditary breast ovarian cancer syndrome. Also called: Hereditary breast and ovarian cancer; Hereditary breast and ovarian cancer syndrome (HBOC); Hereditary breast and/or ovarian cancer syndrome; BRCA1- and BRCA2-Associated Hereditary Breast and Ovarian Cancer; Hereditary breast and ovarian cancer syndrome; Breast and ovarian cancer. Identifiers: Orphanet 145, MedGen C0677776, MeSH D061325, MONDO:0003582. Disease mechanism: loss of function.

Submissions (3):

Ambry Genetics
Classification: Uncertain significance for Hereditary cancer-predisposing syndrome. Last evaluated: 2025-03-10. Review status: criteria provided, single submitter. Criteria: Ambry Variant Classification Scheme 2023. Collection method: clinical testing. Allele origin: germline.
Comment: The c.8953+5G>C intronic variant results from a G to C substitution 5 nucleotides after coding exon 21 in the BRCA2 gene. This nucleotide position is highly conserved in available vertebrate species. In silico splice site analysis predicts that this alteration will not have any significant effect on splicing. Based on the available evidence, the clinical significance of this variant remains unclear.

Labcorp Genetics (formerly Invitae), Labcorp
Classification: Uncertain significance for Hereditary breast ovarian cancer syndrome. Last evaluated: 2023-06-10. Review status: criteria provided, single submitter. Criteria: Invitae Variant Classification Sherloc (09022015). Collection method: clinical testing. Allele origin: germline.
Comment: In summary, the available evidence is currently insufficient to determine the role of this variant in disease. Therefore, it has been classified as a Variant of Uncertain Significance. Variants that disrupt the consensus splice site are a relatively common cause of aberrant splicing (PMID: 17576681, 9536098). Algorithms developed to predict the effect of sequence changes on RNA splicing suggest that this variant is not likely to affect RNA splicing. ClinVar contains an entry for this variant (Variation ID: 1217248). This variant has not been reported in the literature in individuals affected with BRCA2-related conditions. This variant is not present in population databases (gnomAD no frequency). This sequence change falls in intron 22 of the BRCA2 gene. It does not directly change the encoded amino acid sequence of the BRCA2 protein. It affects a nucleotide within the consensus splice site.

Women's Health and Genetics/Laboratory Corporation of America, LabCorp
Classification: Uncertain significance. Last evaluated: 2021-08-15. Review status: criteria provided, single submitter. Criteria: LabCorp Variant Classification Summary - May 2015. Collection method: clinical testing. Allele origin: germline.
Comment: Variant summary: BRCA2 c.8953+5G>C alters a conserved nucleotide located close to a canonical splice site and therefore could affect mRNA splicing, leading to a significantly altered protein sequence. While 4/4 computational tools predict no significant impact on normal splicing, three out of four predict the variant slightly weakens the canonical 5' splice donor site and one predicts the variant abolishes the canonical 5' splicing donor site. Additionally, this G>C nucleotide change located at intronic position +5 abolishes an alternate cryptic intronic splice donor sequence, an outcome that would theoretically enhance the specificity of splicing at the canonical splice donor site. However, these predictions have yet to be confirmed by functional studies. The variant was absent in 244558 control chromosomes. The available data on variant occurrences in the general population are insufficient to allow any conclusion about variant significance. To our knowledge, no occurrence of c.8953+5G>C in individuals affected with Hereditary Breast And Ovarian Cancer Syndrome and no experimental evidence demonstrating its impact on protein function have been reported. No clinical diagnostic laboratories have submitted clinical-significance assessments for this variant to ClinVar after 2014. Based on the evidence outlined above, the variant was classified as uncertain significance.

Literature cited by the submitters: PubMed 17576681 (cited by Labcorp Genetics (formerly Invitae), Labcorp); PubMed 9536098 (cited by Labcorp Genetics (formerly Invitae), Labcorp).